The following is an entry in ClinVar:

ClinVar aggregate classification (germline): Uncertain significance (1 of 4 stars; one submission).

Conditions:
Inborn genetic diseases. Identifiers: MedGen C0950123, MeSH D030342.

Submission:

Ambry Genetics
Classification: Uncertain significance for Inborn genetic diseases. Last evaluated: 2023-11-22. Review status: criteria provided, single submitter. Criteria: Ambry Variant Classification Scheme 2023. Collection method: clinical testing. Allele origin: germline.
Comment: The p.G1265D variant (also known as c.3794G>A), located in coding exon 28 of the LRRK2 gene, results from a G to A substitution at nucleotide position 3794. The glycine at codon 1265 is replaced by aspartic acid, an amino acid with similar properties. This amino acid position is conserved. In addition, the in silico prediction for this alteration is inconclusive. Since supporting evidence is limited at this time, the clinical significance of this alteration remains unclear.

NM_198578.4(LRRK2):c.3794G>A (p.Gly1265Asp)

Gene: LRRK2 (leucine rich repeat kinase 2; plus strand). Cytogenetic location: 12q12.
Variant type: single nucleotide variant.
Coding change: c.3794G>A on transcript NM_198578.4 (MANE Select); coding-DNA position 3794, G replaced by A.
Protein change: p.Gly1265Asp; replaces glycine 1265 with aspartic acid.
Molecular consequence: missense variant.
Genome position (GRCh38, 1-based): chr12:40,305,801, G>A. VCF-style: chr12-40305801-G-A. GRCh37 (hg19) VCF-style: chr12-40699603-G-A.
Other names: short protein forms G1265D.
Identifiers: ClinVar variation 3229629 (VCV003229629.1), dbSNP rs2499794256, ClinGen allele CA384417061.
Genomic context (GRCh38, chr12:40,305,801, plus strand): 5'-CTTCCTTCCCACCAACAGGTTTTGCCCTTTTTTTTCCCATTAAGATTCCTCCTGAGATTG[G>A]CTGTCTTGAAAATCTGACATCTCTGGATGTCAGTTACAACTTGGAACTAAGATCCTTTCC-3'
Protein context (NP_940980.4, residues 1255-1275): NKLKEIPPEI[Gly1265Asp]CLENLTSLDV